The following is an entry in ClinVar:

ClinVar aggregate classification (germline): Uncertain significance (1 of 4 stars; one submission).

Conditions:
Hereditary cancer-predisposing syndrome. Also called: Hereditary Cancer Syndrome; Neoplastic Syndromes, Hereditary; Tumor predisposition; Hereditary neoplastic syndrome. Identifiers: Orphanet 140162, MedGen C0027672, MeSH D009386, MONDO:0015356.

Submission:

Ambry Genetics
Classification: Uncertain significance for Hereditary cancer-predisposing syndrome. Last evaluated: 2026-06-29. Review status: criteria provided, single submitter. Criteria: Ambry Variant Classification Scheme 2023. Collection method: clinical testing. Allele origin: germline.
Comment: The c.1678_1692del15 variant (also known as p.M560_E564del) is located in coding exon 11 of the CTNNA1 gene. This variant results from an in-frame ATGGACAACTATGAG deletion at nucleotide positions 1678 to 1692. This results in the in-frame deletion of MDNYE residues at codons 560 to 564. This amino acid region is well conserved in available vertebrate species. In addition, this variant is predicted to be deleterious by in silico analysis (Choi Y et al. PLoS ONE. 2012; 7(10):e46688). Based on the available evidence, the clinical significance of this variant remains unclear.

NM_001903.5(CTNNA1):c.1678_1692del (p.Met560_Glu564del)

Gene: CTNNA1 (catenin alpha 1; plus strand). Cytogenetic location: 5q31.2.
Variant type: Deletion.
Coding change: c.1678_1692del on transcript NM_001903.5 (MANE Select); coding-DNA positions 1678 to 1692, 15 bases deleted (ATGGACAACTATGAG).
Protein change: p.Met560_Glu564del.
Genome position (GRCh38, 1-based): chr5:138,924,641-138,924,655, ATGGACAACTATGAG deleted; deleting any 15 consecutive bases within chr5:138,924,638-138,924,655 gives the same sequence; the c. name uses the placement nearest the transcript's 3' end. VCF-style (leftmost placement, unchanged base first): chr5-138924637-AGAGATGGACAACTAT-A. GRCh37 (hg19) VCF-style: chr5-138260326-AGAGATGGACAACTAT-A.
Other names: c.1678_1692del, p.Met560_Glu564del (NM_001290307.3, NM_001323982.2, NM_001323983.1 and 2 more transcripts); c.1369_1383del, p.Met457_Glu461del (NM_001290309.3); c.1309_1323del, p.Met437_Glu441del (NM_001290310.3); c.568_582del, p.Met190_Glu194del (NM_001290312.1, NM_001323987.1, NM_001323988.1 and 17 more transcripts); c.1585_1599del, p.Met529_Glu533del (NM_001323986.2); c.229_243del, p.Met77_Glu81del (NM_001324006.1, NM_001324007.1, NM_001324008.1 and 2 more transcripts); c.475_489del, p.Met159_Glu163del (NM_001324011.1); c.325_339del, p.Met109_Glu113del (NM_001324012.1, NM_001324013.1).
Identifiers: ClinVar variation 5034989 (VCV005034989.1).